The following is an entry in ClinVar:

ClinVar aggregate classification (germline): Likely pathogenic. Review status: criteria provided, multiple submitters, no conflicts (2 of 4 stars). 6 submissions from 6 submitters: Likely pathogenic (3). 3 of the submissions do not count toward it. Last evaluated 2024-11-01.

Conditions:
Osteochondrodysplasia. Identifiers: MedGen C0029422, MONDO:0005516.
Diastrophic dysplasia (DTD). Also called: Diastrophic dwarfism. Identifiers: Orphanet 628, MedGen C0220726, MONDO:0009107, OMIM 222600.
Multiple epiphyseal dysplasia type 4 (EDM4). Also called: MULTIPLE EPIPHYSEAL DYSPLASIA WITH BILAYERED PATELLAE; MULTIPLE EPIPHYSEAL DYSPLASIA WITH CLUBFOOT; MULTIPLE EPIPHYSEAL DYSPLASIA, AUTOSOMAL RECESSIVE; SLC26A2-Related Multiple Epiphyseal Dysplasia; Multiple Epiphyseal Dysplasia, Recessive. Identifiers: Orphanet 93307, MedGen C1847593, MONDO:0009189, OMIM 226900.
Atelosteogenesis type II (AO2). Also called: NEONATAL OSSEOUS DYSPLASIA I; SLC26A2-Related Atelosteogenesis; Neonatal osseous dysplasia 1. Identifiers: Orphanet 56304, MedGen C1850554, MONDO:0009727, OMIM 256050.
Achondrogenesis, type IB (ACG1B). Also called: Achondrogenesis Type 1B. Identifiers: Orphanet 932, Orphanet 93298, MedGen C0265274, MONDO:0010966, OMIM 600972.

Allele frequency attached by ClinVar (database versions not stated): gnomAD exomes below 0.00001 and 0.00001; gnomAD 0.00002; ExAC 0.00001; TOPMed 0.00003.

Submissions (6):

Natera, Inc.
Classification: Likely pathogenic for Achondrogenesis type IB. Last evaluated: 2024-11-01. Review status: criteria provided, single submitter. Criteria: Natera Variant Classification Schema (03/2026). Collection method: clinical testing. Allele origin: germline.
Comment: The c.2033G>T variant in SLC26A2 is a missense variant predicted to cause substitution of glycine to valine at amino acid 678. This variant is rare in the general population with a frequency below the threshold expected for the associated phenotype(s). This variant has been observed in one or more individuals affected with the associated recessive disease, as either homozygous or compound heterozygous with a second variant (PMID: 8528239). Functional studies show that this variant may disrupt protein function (PMID: 15294877). Computational prediction algorithms indicate this variant is likely to affect gene or protein function. Given the available evidence, this variant is classified as Likely Pathogenic.

Women's Health and Genetics/Laboratory Corporation of America, LabCorp
Classification: Likely pathogenic for Osteochondrodysplasia. Last evaluated: 2023-05-01. Review status: criteria provided, single submitter. Criteria: LabCorp Variant Classification Summary - May 2015. Collection method: clinical testing. Allele origin: germline.
Comment: Variant summary: SLC26A2 c.2033G>T (p.Gly678Val) results in a non-conservative amino acid change located in the STAS domain (IPR002645) of the encoded protein sequence. Five of five in-silico tools predict a damaging effect of the variant on protein function. The variant allele was found at a frequency of 4e-06 in 251126 control chromosomes. c.2033G>T has been reported in the literature as a compound heterozygous genotype with a null allele in at-least one individual affected with Sulfate Transporter-Related Osteochondrodysplasia (example, Karniski_2001 citing Superti-Furga_1996). Multiple publications report experimental evidence evaluating an impact on protein function (example, Karniski_2001, Karniski_2004, Rapp_2019). The most pronounced variant effect results in <10% of normal sulfate transport activity in-vitro when analyzed in mammalian cell system (Karniski_2004) however retained partial function when expressed in Xenopus oocytes (Karniski_2001). Another recent study reported ER retention and degradation by ER-associated degradation (ERAD) (Rapp_2019). The following publications have been ascertained in the context of this evaluation (PMID: 11448940, 15294877, 30462520, 8723100). No clinical diagnostic laboratories have submitted clinical-significance assessments for this variant to ClinVar after 2014. Based on the evidence outlined above, the variant was classified as likely pathogenic.

Juno Genomics, Hangzhou Juno Genomics, Inc
Classification: Likely pathogenic for Achondrogenesis, type IB; Atelosteogenesis type II; Diastrophic dysplasia; Multiple epiphyseal dysplasia type 4. Review status: criteria provided, single submitter. Criteria: ACMG Guidelines, 2015. Collection method: clinical testing. Allele origin: germline.
Comment: Absent from controls (or at extremely low frequency if recessive) in Genome Aggregation Database.;Well-established in vitro or in vivo functional studies supportive of a damaging effect on the gene or gene product.;For recessive disorders, detected in trans with a pathogenic variant.;Patient's phenotype or family history is highly specific for a disease with a single genetic etiology.

Counsyl
Classification: Likely pathogenic for Multiple epiphyseal dysplasia 4. Last evaluated: 2014-03-16. Review status: no assertion criteria provided. Collection method: literature only. Allele origin: unknown. Inheritance: Autosomal recessive inheritance. Not counted in ClinVar's aggregate classification.

OMIM
Classification: Pathogenic for ACHONDROGENESIS, TYPE IB. Last evaluated: 1996-01-01. Review status: no assertion criteria provided. Collection method: literature only. Allele origin: germline. Not counted in ClinVar's aggregate classification.

GeneReviews
No classification provided. Condition: Diastrophic dysplasia. Review status: no classification provided. Collection method: literature only. Allele origin: unknown. Not counted in ClinVar's aggregate classification.

Literature cited by the submitters: PubMed 8528239 (cited by 3 submitters); PubMed 15294877 (cited by 3 submitters); PubMed 11448940 (cited by Women's Health and Genetics/Laboratory Corporation of America, LabCorp and Counsyl); PubMed 30462520 (cited by Women's Health and Genetics/Laboratory Corporation of America, LabCorp); PubMed 8723100 (cited by Women's Health and Genetics/Laboratory Corporation of America, LabCorp); PubMed 20301524 (cited by GeneReviews); NCBI Bookshelf NBK1350 (cited by GeneReviews).

NM_000112.4(SLC26A2):c.2033G>T (p.Gly678Val)

Gene: SLC26A2 (solute carrier family 26 member 2; plus strand). Cytogenetic location: 5q32.
Variant type: single nucleotide variant.
Coding change: c.2033G>T on transcript NM_000112.4 (MANE Select); coding-DNA position 2033, G replaced by T.
Protein change: p.Gly678Val; replaces glycine 678 with valine.
Molecular consequence: missense variant.
Genome position (GRCh38, 1-based): chr5:149,981,626, G>T. VCF-style: chr5-149981626-G-T. GRCh37 (hg19) VCF-style: chr5-149361189-G-T.
Other names: short protein forms G678V.
Identifiers: ClinVar variation 4094 (VCV000004094.9), dbSNP rs104893916, ClinGen allele CA259844.